The following is an entry in ClinVar:

NM_005159.5(ACTC1):c.-23+15G>T

Genes: ACTC1 (actin alpha cardiac muscle 1; minus strand), GJD2-DT (GJD2 divergent transcript; plus strand). Cytogenetic location: 15q14.
Variant type: single nucleotide variant.
Coding change: c.-23+15G>T on transcript NM_005159.5 (MANE Select); 15 bases into the intron after 23 bases upstream of the start codon, G replaced by T.
Molecular consequence: intron variant.
Genome position (GRCh38, 1-based): chr15:34,795,491, C>A on the plus strand (G>T on the coding strand, the complement: ACTC1 is on the minus strand). VCF-style: chr15-34795491-C-A. GRCh37 (hg19) VCF-style: chr15-35087692-C-A.
Other names: c.-23+15G>T (LRG_388t1).
Identifiers: ClinVar variation 315712 (VCV000315712.6), dbSNP rs566201991, ClinGen allele CA10646879.
Genomic context (GRCh38, chr15:34,795,491, plus strand): 5'-CGGCGCGGGGCTGGCGTCCGGCGCGGCCCGCGGACCAGGCGAGGAGTGAACGCGGAGGGC[C>A]GGGCGCTGACTCACCGTCGGCGGGGCGGGTCGGCTCGGCTCCGGCGGCAGCGGGCTCTGG-3'

ClinVar aggregate classification (germline): Conflicting classifications of pathogenicity. Review status: criteria provided, conflicting classifications (1 of 4 stars). 3 submissions from 2 submitters: Uncertain significance (1); Benign (1); Likely benign (1). Last evaluated 2018-01-12.

Conditions:
Dilated cardiomyopathy 1R (CMD1R). Identifiers: Orphanet 154, Orphanet 54260, MedGen C3150681, MONDO:0013261, OMIM 613424.
Hypertrophic cardiomyopathy 11. Also called: ACTC1-Related Familial Hypertrophic Cardiomyopathy. Identifiers: MedGen C2677506, MONDO:0012799, OMIM 612098.

Allele frequency attached by ClinVar (database versions not stated): 1000 Genomes Project 0.00220; gnomAD 0.00225 and 0.00242; TOPMed 0.00232; 1000 Genomes Project 30x 0.00250.

Submissions (3):

Illumina Laboratory Services, Illumina
Classification: Likely benign for Hypertrophic cardiomyopathy 11. Last evaluated: 2018-01-12. Review status: criteria provided, single submitter. Criteria: ICSL Variant Classification Criteria 13 December 2019. Collection method: clinical testing. Allele origin: germline.
Comment: This variant was observed in the ICSL laboratory as part of a predisposition screen in an ostensibly healthy population. It had not been previously curated by ICSL or reported in the Human Gene Mutation Database (HGMD: prior to June 1st, 2018), and was therefore a candidate for classification through an automated scoring system. Utilizing variant allele frequency, disease prevalence and penetrance estimates, and inheritance mode, an automated score was calculated to assess if this variant is too frequent to cause the disease. Based on the score and internal cut-off values, a variant classified as likely benign is not then subjected to further curation. The score for this variant resulted in a classification of likely benign for this disease.

Illumina Laboratory Services, Illumina
Classification: Uncertain significance for Dilated cardiomyopathy 1R. Last evaluated: 2018-01-12. Review status: criteria provided, single submitter. Criteria: ICSL Variant Classification Criteria 13 December 2019. Collection method: clinical testing. Allele origin: germline.

GeneDx
Classification: Benign. Last evaluated: 2015-03-03. Review status: criteria provided, single submitter. Criteria: GeneDx Variant Classification Process June 2021. Collection method: clinical testing. Allele origin: germline. Affected: yes.